The following is an entry in ClinVar:

NM_144999.4(LRRC45):c.912G>A (p.Lys304=)

Gene: LRRC45 (leucine rich repeat containing 45; plus strand). Cytogenetic location: 17q25.3.
Variant type: single nucleotide variant.
Coding change: c.912G>A on transcript NM_144999.4 (MANE Select); coding-DNA position 912, G replaced by A.
Protein change: p.Lys304=; no amino-acid change (lysine 304 retained).
Molecular consequence: synonymous variant.
Genome position (GRCh38, 1-based): chr17:82,028,011, G>A. VCF-style: chr17-82028011-G-A. GRCh37 (hg19) VCF-style: chr17-79985887-G-A.
Identifiers: ClinVar variation 4981233 (VCV004981233.1).

ClinVar aggregate classification (germline): Likely benign (1 of 4 stars; one submission).

Conditions:
LRRC45-related disorder. Also called: LRRC45-related condition.

gnomAD v4.1: 3 of 1,597,780 alleles (0.00019%); highest among the groups gnomAD compares: Non-Finnish European, 0.00026%; no homozygotes.

Submission:

PreventionGenetics, part of Exact Sciences
Classification: Likely benign for LRRC45-related condition. Last evaluated: 2024-11-22. Review status: criteria provided, single submitter. Criteria: ACMG Guidelines, 2015. Collection method: clinical testing. Allele origin: germline.
Comment: This variant is classified as likely benign based on ACMG/AMP sequence variant interpretation guidelines (Richards et al. 2015 PMID: 25741868, with internal and published modifications).